The following is an entry in ClinVar:

ClinVar aggregate classification (germline): Conflicting classifications of pathogenicity. Review status: criteria provided, conflicting classifications (1 of 4 stars). 2 submissions from 2 submitters: Uncertain significance (1); Likely benign (1). Last evaluated 2026-01-28.

Conditions:
ALG1-congenital disorder of glycosylation. Also called: CONGENITAL DISORDER OF GLYCOSYLATION, TYPE Ik; CDG Ik; ALG1-CDG. Identifiers: Orphanet 79327, MedGen C2931005, MONDO:0012052, OMIM 608540.

gnomAD v4.1: 8 of 1,604,634 alleles (0.0005%); highest among the groups gnomAD compares: East Asian, 0.0022%; no homozygotes.

Submissions (2):

Labcorp Genetics (formerly Invitae), Labcorp
Classification: Likely benign for ALG1-congenital disorder of glycosylation. Last evaluated: 2026-01-28. Review status: criteria provided, single submitter. Criteria: Invitae Variant Classification Sherloc (09022015). Collection method: clinical testing. Allele origin: germline.

GeneDx
Classification: Uncertain significance. Last evaluated: 2025-01-23. Review status: criteria provided, single submitter. Criteria: GeneDx Variant Classification Process June 2021. Collection method: clinical testing. Allele origin: germline. Affected: yes.
Comment: Not observed at significant frequency in large population cohorts (gnomAD); In silico analysis indicates that this variant does not alter splicing; Has not been previously published as pathogenic or benign to our knowledge

NM_019109.5(ALG1):c.24G>C (p.Leu8=)

Genes: ALG1 (ALG1 chitobiosyldiphosphodolichol beta-mannosyltransferase; plus strand), LOC130058383 (ATAC-STARR-seq lymphoblastoid active region 10348; plus strand). Cytogenetic location: 16p13.3.
Variant type: single nucleotide variant.
Coding change: c.24G>C on transcript NM_019109.5 (MANE Select); coding-DNA position 24, G replaced by C.
Protein change: p.Leu8=; no amino-acid change (leucine 8 retained).
Molecular consequence: synonymous variant.
Genome position (GRCh38, 1-based): chr16:5,071,873, G>C. VCF-style: chr16-5071873-G-C. GRCh37 (hg19) VCF-style: chr16-5121874-G-C.
Identifiers: ClinVar variation 4071780 (VCV004071780.2).